The following is an entry in ClinVar:

ClinVar aggregate classification (germline): Uncertain significance (1 of 4 stars; one submission).

Submission:

GeneDx
Classification: Uncertain significance. Last evaluated: 2026-09-25. Review status: criteria provided, single submitter. Criteria: GeneDx Variant Classification Process June 2021. Collection method: clinical testing. Allele origin: germline.
Comment: In silico analysis supports that this missense variant has a deleterious effect on protein structure/function; Not observed at significant frequency in large population cohorts (gnomAD); Has not been previously published as pathogenic or benign to our knowledge

NM_031407.7(HUWE1):c.5491C>T (p.Pro1831Ser)

Gene: HUWE1 (HECT, UBA and WWE domain containing E3 ubiquitin protein ligase 1; minus strand). Cytogenetic location: Xp11.22.
Variant type: single nucleotide variant.
Coding change: c.5491C>T on transcript NM_031407.7 (MANE Select); coding-DNA position 5491, C replaced by T.
Protein change: p.Pro1831Ser; replaces proline 1831 with serine.
Molecular consequence: missense variant.
Genome position (GRCh38, 1-based): chrX:53,583,587, G>A on the plus strand (C>T on the coding strand, the complement: HUWE1 is on the minus strand). VCF-style: chrX-53583587-G-A. GRCh37 (hg19) VCF-style: chrX-53610547-G-A.
Other names: short protein forms P1831S.
Identifiers: ClinVar variation 2663367 (VCV002663367.2), dbSNP rs2063729116, ClinGen allele CA413173474.